The following is an entry in ClinVar:

NM_020778.5(ALPK3):c.3060C>G (p.Asn1020Lys)

Gene: ALPK3 (alpha kinase 3; plus strand). Cytogenetic location: 15q25.3.
Variant type: single nucleotide variant.
Coding change: c.3060C>G on transcript NM_020778.5 (MANE Select); coding-DNA position 3060, C replaced by G.
Protein change: p.Asn1020Lys; replaces asparagine 1020 with lysine.
Molecular consequence: missense variant.
Genome position (GRCh38, 1-based): chr15:84,857,798, C>G. VCF-style: chr15-84857798-C-G. GRCh37 (hg19) VCF-style: chr15-85401029-C-G.
Other names: short protein forms N1020K.
Identifiers: ClinVar variation 2100016 (VCV002100016.4), dbSNP rs900973860, ClinGen allele CA273625053.

ClinVar aggregate classification (germline): Uncertain significance (1 of 4 stars; one submission).

Submission:

Labcorp Genetics (formerly Invitae), Labcorp
Classification: Uncertain significance. Last evaluated: 2022-02-20. Review status: criteria provided, single submitter. Criteria: Invitae Variant Classification Sherloc (09022015). Collection method: clinical testing. Allele origin: germline.
Comment: This sequence change replaces asparagine, which is neutral and polar, with lysine, which is basic and polar, at codon 1222 of the ALPK3 protein (p.Asn1222Lys). This variant is not present in population databases (gnomAD no frequency). This variant has not been reported in the literature in individuals affected with ALPK3-related conditions. Algorithms developed to predict the effect of missense changes on protein structure and function are either unavailable or do not agree on the potential impact of this missense change (SIFT: "Deleterious"; PolyPhen-2: "Probably Damaging"; Align-GVGD: "Class C0"). In summary, the available evidence is currently insufficient to determine the role of this variant in disease. Therefore, it has been classified as a Variant of Uncertain Significance.